The following is an entry in ClinVar:

ClinVar aggregate classification (germline): Uncertain significance (1 of 4 stars; one submission).

Conditions:
Ehlers-Danlos syndrome, type 4 (EDSVASC). Also called: Ehlers-Danlos syndrome vascular type; Ehlers Danlos syndrome, ecchymotic type; Ehlers Danlos syndrome, arterial type; Ehlers Danlos syndrome, Sack-Barabas type; Ehlers-Danlos Syndrome Type IV. Identifiers: Orphanet 286, MedGen C0268338, MONDO:0017314, OMIM 130050.

Submission:

Baylor Genetics
Classification: Uncertain significance for Ehlers-Danlos syndrome, type 4. Last evaluated: 2020-10-26. Review status: criteria provided, single submitter. Criteria: ACMG Guidelines, 2015. Collection method: clinical testing. Allele origin: de novo. Affected: yes.
Comment: This variant was determined to be of uncertain significance according to ACMG Guidelines, 2015 [PMID:25741868].

NM_000090.4(COL3A1):c.2963T>C (p.Leu988Pro)

Gene: COL3A1 (collagen type III alpha 1 chain; plus strand). Cytogenetic location: 2q32.2.
Variant type: single nucleotide variant.
Coding change: c.2963T>C on transcript NM_000090.4 (MANE Select); coding-DNA position 2963, T replaced by C.
Protein change: p.Leu988Pro; replaces leucine 988 with proline.
Molecular consequence: missense variant.
Genome position (GRCh38, 1-based): chr2:189,005,381, T>C. VCF-style: chr2-189005381-T-C. GRCh37 (hg19) VCF-style: chr2-189870107-T-C.
Other names: short protein forms L988P.
Identifiers: ClinVar variation 1029640 (VCV001029640.1), dbSNP rs770525372, ClinGen allele CA349844736.